The following is an entry in ClinVar:

ClinVar aggregate classification (germline): Uncertain significance (1 of 4 stars; one submission).

Conditions:
Treacher Collins syndrome 1 (TCS1). Also called: TCOF1-Related Treacher Collins Syndrome. Identifiers: Orphanet 861, MedGen CN315775, MONDO:0007944, OMIM 154500.

Allele frequency attached by ClinVar (database versions not stated): gnomAD exomes below 0.00001.
gnomAD v4.1: 1 of 1,612,122 alleles (0.000062%); highest among the groups gnomAD compares: Non-Finnish European, 0.000085%; no homozygotes.

Submission:

Labcorp Genetics (formerly Invitae), Labcorp
Classification: Uncertain significance for Treacher Collins syndrome 1. Last evaluated: 2022-07-18. Review status: criteria provided, single submitter. Criteria: Invitae Variant Classification Sherloc (09022015). Collection method: clinical testing. Allele origin: germline.
Comment: This variant has not been reported in the literature in individuals affected with TCOF1-related conditions. In summary, the available evidence is currently insufficient to determine the role of this variant in disease. Therefore, it has been classified as a Variant of Uncertain Significance. Algorithms developed to predict the effect of sequence changes on RNA splicing suggest that this variant may disrupt the consensus splice site. Algorithms developed to predict the effect of missense changes on protein structure and function output the following: SIFT: "Tolerated"; PolyPhen-2: "Benign"; Align-GVGD: "Class C0". The leucine amino acid residue is found in multiple mammalian species, which suggests that this missense change does not adversely affect protein function. ClinVar contains an entry for this variant (Variation ID: 1465862). This variant is not present in population databases (gnomAD no frequency). This sequence change replaces valine, which is neutral and non-polar, with leucine, which is neutral and non-polar, at codon 506 of the TCOF1 protein (p.Val506Leu).

NM_001371623.1(TCOF1):c.1516G>C (p.Val506Leu)

Gene: TCOF1 (treacle ribosome biogenesis factor 1; plus strand). Cytogenetic location: 5q32.
Variant type: single nucleotide variant.
Coding change: c.1516G>C on transcript NM_001371623.1 (MANE Select); coding-DNA position 1516, G replaced by C.
Protein change: p.Val506Leu; replaces valine 506 with leucine.
Molecular consequence: missense variant.
Genome position (GRCh38, 1-based): chr5:150,375,366, G>C. VCF-style: chr5-150375366-G-C. GRCh37 (hg19) VCF-style: chr5-149754929-G-C.
Other names: c.1285G>C, p.Val429Leu (NM_000356.4, NM_001135245.2); c.1516G>C, p.Val506Leu (NM_001008657.3, NM_001135243.2, NM_001135244.2 and 1 more transcripts); short protein forms V429L, V506L.
Identifiers: ClinVar variation 1465862 (VCV001465862.8), dbSNP rs769055076, ClinGen allele CA361746961.
Genomic context (GRCh38, chr5:150,375,366, plus strand): 5'-TCCCTCCCTAATCTTGTCCTTTGTGTCTCCCAGGTGAAGCCCTTGGGGAAAAGCCCCCAG[G>C]TGAAACCTGCCTCTACCATGGGCATGGGGCCCTTGGGGAAAGGCGCCGGCCCAGTGCCAC-3'
Protein context (NP_001358552.1, residues 496-516): QVKPLGKSPQ[Val506Leu]KPASTMGMGP